The following is an entry in ClinVar:

NM_015443.4(KANSL1):c.584dup (p.Ser196fs)

Gene: KANSL1 (KAT8 regulatory NSL complex subunit 1). Cytogenetic location: 17q21.31.
Variant type: Duplication.
Coding change: c.584dup on transcript NM_015443.4 (MANE Select); coding-DNA position 584, one base duplicated.
Protein change: p.Ser196fs; shifts the reading frame from serine 196.
Molecular consequence: frameshift variant. On other transcripts: intron variant (4).
Genome position: GRCh38 VCF-style: chr17-46171559-T-TC. GRCh37 (hg19) VCF-style: chr17-44248925-T-TC.
Other names: c.584dup, p.Ser196fs (NM_001193465.2, NM_001193466.2, NM_001379198.1 and 18 more transcripts); c.23+52111dup (NM_001405885.1, NM_001405884.1, NM_001405883.1 and 1 more transcripts); short protein forms S196fs.
Identifiers: ClinVar variation 5007651 (VCV005007651.1).

ClinVar aggregate classification (germline): Likely pathogenic (1 of 4 stars; one submission).

Conditions:
Koolen-de Vries syndrome (KDVS). Identifiers: Orphanet 96169, MedGen C1864871, MONDO:0012496, OMIM 610443.

Submission:

Juno Genomics, Hangzhou Juno Genomics, Inc
Classification: Likely pathogenic for Koolen-de Vries syndrome. Review status: criteria provided, single submitter. Criteria: ACMG Guidelines, 2015. Collection method: clinical testing. Allele origin: germline. Affected: yes.
Comment: Absent from controls (or at extremely low frequency if recessive) in Genome Aggregation Database.;Null variant in a gene where loss of function (LOF) is a known mechanism of disease.